The following is an entry in ClinVar:

ClinVar aggregate classification (germline): Pathogenic (0 of 4 stars; one submission).

Conditions:
Cholestanol storage disease (CTX). Also called: CEREBRAL CHOLESTERINOSIS; Cerebrotendinous Xanthomatosis; CTX: Cerebrotendinous xanthomatosis. Identifiers: Orphanet 909, MedGen C0238052, MONDO:0008948, OMIM 213700.

Submission:

GeneReviews
Classification: Pathogenic for Cerebrotendinous Xanthomatosis. Last evaluated: 2013-08-01. Review status: no assertion criteria provided. Collection method: curation. Allele origin: unknown.
ClinVar note: Converted during submission from pathologic to Pathogenic.

c.1330-1333delTTCC

Variant type: Deletion.
Identifiers: ClinVar variation 65848 (VCV000065848.3).